The following is an entry in ClinVar:

NM_003072.5(SMARCA4):c.1246-20_1246-19insCTGTGCA

Gene: SMARCA4 (SWI/SNF related BAF chromatin remodeling complex subunit ATPase 4; plus strand). Cytogenetic location: 19p13.2.
Variant type: Insertion.
Coding change: c.1246-20_1246-19insCTGTGCA on transcript NM_003072.5 (MANE Select); 20 bases into the intron before coding-DNA position 1246 through 19 bases into the intron before coding-DNA position 1246, CTGTGCA inserted.
Molecular consequence: intron variant.
Genome position: GRCh38 VCF-style: chr19-10991130-T-TCTGTGCA. GRCh37 (hg19) VCF-style: chr19-11101806-T-TCTGTGCA.
Other names: c.1246-20_1246-19insCTGTGCA (NM_001128844.3, NM_001128849.3, NM_001128847.4 and 6 more transcripts).
Identifiers: ClinVar variation 4813170 (VCV004813170.1).

ClinVar aggregate classification (germline): Uncertain significance (1 of 4 stars; one submission).

Conditions:
Rhabdoid tumor predisposition syndrome 2 (RTPS2). Identifiers: Orphanet 231108, Orphanet 69077, MedGen C2750074, MONDO:0013224, OMIM 613325.

Submission:

St. Jude Molecular Pathology, St. Jude Children's Research Hospital
Classification: Uncertain significance for Rhabdoid tumor predisposition syndrome 2. Last evaluated: 2026-02-11. Review status: criteria provided, single submitter. Criteria: St. Jude Assertion Criteria 2020. Collection method: clinical testing. Allele origin: germline.
Comment: The SMARCA4 c.1246-20_1246-19insCTGTGCA intronic change results in an insertion of seven nucleotides in intron 7 of the SMARCA4 gene. Algorithms that predict the impact of sequence changes on splicing indicate that this change may impact splicing but to our knowledge these predictions have not been confirmed by RNA studies. This variant is absent in gnomAD v2.1.1. To our knowledge, this variant has not been reported in individuals with rhabdoid tumor predisposition syndrome. In summary, the evidence currently available is insufficient to determine the clinical significance of this variant. It has therefore been classified as of uncertain significance.